The following is an entry in ClinVar:

ClinVar aggregate classification (germline): Uncertain significance (1 of 4 stars; one submission).

Conditions:
Inborn genetic diseases. Identifiers: MedGen C0950123, MeSH D030342.

Submission:

Ambry Genetics
Classification: Uncertain significance for Inborn genetic diseases. Last evaluated: 2026-06-09. Review status: criteria provided, single submitter. Criteria: Ambry Variant Classification Scheme 2023. Collection method: clinical testing. Allele origin: germline.
Comment: The p.V1175E variant (also known as c.3524T>A), located in coding exon 24 of the ANKRD26 gene, results from a T to A substitution at nucleotide position 3524. The valine at codon 1175 is replaced by glutamic acid, an amino acid with dissimilar properties. This amino acid position is conserved. In addition, this alteration is predicted to be tolerated by in silico analysis. Based on the available evidence, the clinical significance of this variant remains unclear.

NM_014915.3(ANKRD26):c.3524T>A (p.Val1175Glu)

Gene: ANKRD26 (ankyrin repeat domain 26; minus strand). Cytogenetic location: 10p12.1.
Variant type: single nucleotide variant.
Coding change: c.3524T>A on transcript NM_014915.3 (MANE Select); coding-DNA position 3524, T replaced by A.
Protein change: p.Val1175Glu; replaces valine 1175 with glutamic acid.
Molecular consequence: missense variant.
Genome position (GRCh38, 1-based): chr10:27,034,926, A>T on the plus strand (T>A on the coding strand, the complement: ANKRD26 is on the minus strand). VCF-style: chr10-27034926-A-T. GRCh37 (hg19) VCF-style: chr10-27323855-A-T.
Other names: c.3521T>A, p.Val1174Glu (NM_001256053.2); short protein forms V1174E, V1175E.
Identifiers: ClinVar variation 4860008 (VCV004860008.1).